The following is an entry in ClinVar:

ClinVar aggregate classification (germline): Pathogenic (1 of 4 stars; one submission).

Conditions:
Congenital heart defects, multiple types, 4 (CHTD4). Identifiers: MedGen C4014310, MONDO:0014344, OMIM 615779.

Submission:

Victorian Clinical Genetics Services, Murdoch Childrens Research Institute
Classification: Pathogenic for Congenital heart defects, multiple types, 4. Last evaluated: 2024-10-10. Review status: criteria provided, single submitter. Criteria: ACMG Guidelines, 2015. Collection method: clinical testing. Allele origin: germline. Inheritance: Autosomal dominant inheritance. Affected: yes.
Comment: Based on the classification scheme VCGS_Germline_v1.3.5, this variant is classified as Pathogenic. Following criteria are met: 0102 - Loss of function is a known mechanism of disease in this gene and is associated with congenital heart defects, multiple types, 4 (MIM#615779). (I) 0107 - This gene is associated with autosomal dominant disease. (I) 0115 - Variants in this gene are known to have variable expressivity (PMID: 37500725). (I) 0201 - Variant is predicted to cause nonsense-mediated decay (NMD) and loss of protein (premature termination codon is located at least 54 nucleotides upstream of the final exon-exon junction). (SP) 0251 - This variant is heterozygous. (I) 0301 - Variant is absent from gnomAD (v2, v3 and v4). (SP) 0701 - Other NMD-predicted variants comparable to the one identified in this case have very strong previous evidence for pathogenicity (DECIPHER; PMIDs: 29478779, 30720060). (SP) 0807 - This variant has no previous evidence of pathogenicity. (I) 0905 - No published segregation evidence has been identified for this variant. (I) 1007 - No published functional evidence has been identified for this variant. (I) 1208 - Inheritance information for this variant is not currently available in this individual. (I) Legend: (SP) - Supporting pathogenic, (I) - Information, (SB) - Supporting benign

Literature cited by the submitters: PubMed 29478779; PubMed 30720060; PubMed 37500725.

NM_021005.4(NR2F2):c.232G>T (p.Glu78Ter)

Gene: NR2F2 (nuclear receptor subfamily 2 group F member 2; plus strand). Cytogenetic location: 15q26.2.
Variant type: single nucleotide variant.
Coding change: c.232G>T on transcript NM_021005.4 (MANE Select); coding-DNA position 232, G replaced by T.
Protein change: p.Glu78Ter; replaces glutamic acid 78 with a stop codon.
Molecular consequence: nonsense. On other transcripts: intron variant (1).
Genome position (GRCh38, 1-based): chr15:96,332,337, G>T. VCF-style: chr15-96332337-G-T. GRCh37 (hg19) VCF-style: chr15-96875566-G-T.
Other names: c.44-1739G>T (NM_001145155.2); short protein forms E78*.
Identifiers: ClinVar variation 3376906 (VCV003376906.1).